The following is an entry in ClinVar:

NM_153704.6(TMEM67):c.2783G>A (p.Ser928Asn)

Gene: TMEM67 (transmembrane protein 67; plus strand). Cytogenetic location: 8q22.1.
Variant type: single nucleotide variant.
Coding change: c.2783G>A on transcript NM_153704.6 (MANE Select); coding-DNA position 2783, G replaced by A.
Protein change: p.Ser928Asn; replaces serine 928 with asparagine.
Molecular consequence: missense variant. On other transcripts: non-coding transcript variant (1).
Genome position (GRCh38, 1-based): chr8:93,815,323, G>A. VCF-style: chr8-93815323-G-A. GRCh37 (hg19) VCF-style: chr8-94827551-G-A.
Other names: c.2540G>A, p.Ser847Asn (NM_001142301.1); c.2783G>A (NM_153704.5); short protein forms S928N, S847N.
Identifiers: ClinVar variation 1473343 (VCV001473343.5), dbSNP rs538380011, ClinGen allele CA4808401.

ClinVar aggregate classification (germline): Uncertain significance. Review status: criteria provided, multiple submitters, no conflicts (2 of 4 stars). 3 submissions from 3 submitters: Uncertain significance (3). Last evaluated 2025-10-13.

Conditions:
TMEM67-related disorder. Also called: TMEM67-related condition; TMEM67-related disorders. Identifiers: MedGen CN239423.
Joubert syndrome. Also called: Familial aplasia of the vermis; JOUBERT-BOLTSHAUSER SYNDROME. Identifiers: Orphanet 475, MedGen C5979921, MONDO:0018772.
Meckel-Gruber syndrome. Also called: Dysencephalia splachnocystica; DYSENCEPHALIA SPLANCHNOCYSTICA; GRUBER SYNDROME. Identifiers: Orphanet 564, MedGen C0265215, MONDO:0018921.
Nephronophthisis 11 (NPHP11). Identifiers: Orphanet 84081, MedGen C3150796, MONDO:0013302, OMIM 613550.
Bardet-Biedl syndrome 14 (BBS14). Identifiers: Orphanet 110, MedGen C2673874, MONDO:0014442, OMIM 615991.
RHYNS syndrome. Also called: RETINITIS PIGMENTOSA SYNDROME; RETINITIS PIGMENTOSA, HYPOPITUITARISM, NEPHRONOPHTHISIS, AND MILD SKELETAL DYSPLASIA. Identifiers: Orphanet 140976, MedGen C1865794, MONDO:0011202, OMIM 602152.
Meckel syndrome, type 3 (MKS3). Also called: MECKEL-GRUBER SYNDROME, TYPE 3. Identifiers: Orphanet 564, MedGen C1846357, MONDO:0011821, OMIM 607361.
COACH syndrome 1. Identifiers: Orphanet 1454, MedGen C5435651, MONDO:0800103, OMIM 216360, MONDO:0008996.
Joubert syndrome 6 (JBTS6). Identifiers: Orphanet 475, MedGen C1853153, MONDO:0012539, OMIM 610688.

Allele frequency attached by ClinVar (database versions not stated): gnomAD exomes 0.00001; gnomAD 0.00003; ExAC 0.00005; TOPMed 0.00005; 1000 Genomes Project 30x 0.00016; 1000 Genomes Project 0.00020.
gnomAD v4.1: 11 of 1,587,618 alleles (0.00069%); highest among the groups gnomAD compares: African/African-American, 0.012%; no homozygotes.

Submissions (3):

PreventionGenetics, part of Exact Sciences
Classification: Uncertain significance for TMEM67-related condition. Last evaluated: 2025-10-13. Review status: criteria provided, single submitter. Criteria: ACMG Guidelines, 2015. Collection method: clinical testing. Allele origin: germline.
Comment: The TMEM67 c.2783G>A variant is predicted to result in the amino acid substitution p.Ser928Asn. To our knowledge, this variant has not been reported in the literature. This variant is reported in 0.019% of alleles in individuals of African descent in gnomAD. At this time, the clinical significance of this variant is uncertain due to the absence of conclusive functional and genetic evidence.

Fulgent Genetics
Classification: Uncertain significance for COACH syndrome 1; RHYNS syndrome; Meckel syndrome, type 3; Joubert syndrome 6; Nephronophthisis 11; Bardet-Biedl syndrome 14. Last evaluated: 2024-04-02. Review status: criteria provided, single submitter. Criteria: ACMG Guidelines, 2015. Collection method: clinical testing. Allele origin: germline.

Labcorp Genetics (formerly Invitae), Labcorp
Classification: Uncertain significance for Joubert syndrome; Meckel-Gruber syndrome. Last evaluated: 2022-05-21. Review status: criteria provided, single submitter. Criteria: Invitae Variant Classification Sherloc (09022015). Collection method: clinical testing. Allele origin: germline.
Comment: This sequence change replaces serine, which is neutral and polar, with asparagine, which is neutral and polar, at codon 928 of the TMEM67 protein (p.Ser928Asn). This variant is present in population databases (rs538380011, gnomAD 0.02%). This variant has not been reported in the literature in individuals affected with TMEM67-related conditions. Algorithms developed to predict the effect of missense changes on protein structure and function are either unavailable or do not agree on the potential impact of this missense change (SIFT: "Deleterious"; PolyPhen-2: "Possibly Damaging"; Align-GVGD: "Class C0"). Algorithms developed to predict the effect of sequence changes on RNA splicing suggest that this variant may create or strengthen a splice site. In summary, the available evidence is currently insufficient to determine the role of this variant in disease. Therefore, it has been classified as a Variant of Uncertain Significance.